The following is an entry in ClinVar:

NM_152564.5(VPS13B):c.9391A>G (p.Met3131Val)

Gene: VPS13B (vacuolar protein sorting 13 homolog B; plus strand). Cytogenetic location: 8q22.2.
Variant type: single nucleotide variant.
Coding change: c.9391A>G on transcript NM_152564.5 (MANE Select); coding-DNA position 9391, A replaced by G.
Protein change: p.Met3131Val; replaces methionine 3131 with valine.
Molecular consequence: missense variant.
Genome position (GRCh38, 1-based): chr8:99,832,429, A>G. VCF-style: chr8-99832429-A-G. GRCh37 (hg19) VCF-style: chr8-100844657-A-G.
Other names: c.9466A>G, p.Met3156Val (NM_017890.5); short protein forms M3131V, M3156V.
Identifiers: ClinVar variation 1418156 (VCV001418156.8), dbSNP rs1241294111, ClinGen allele CA371781280.

ClinVar aggregate classification (germline): Uncertain significance (1 of 4 stars; one submission).

Conditions:
Cohen syndrome (COH1). Also called: PEPPER SYNDROME; Cutis verticis gyrata, retinitis pigmentosa, and sensorineural deafness. Identifiers: Orphanet 193, MedGen C0265223, MONDO:0008999, OMIM 216550.

Allele frequency attached by ClinVar (database versions not stated): gnomAD exomes below 0.00001; gnomAD 0.00002.
gnomAD v4.1: 4 of 1,575,406 alleles (0.00025%); highest among the groups gnomAD compares: Non-Finnish European, 0.00034%; no homozygotes.

Submission:

Labcorp Genetics (formerly Invitae), Labcorp
Classification: Uncertain significance for Cohen syndrome. Last evaluated: 2024-01-02. Review status: criteria provided, single submitter. Criteria: Invitae Variant Classification Sherloc (09022015). Collection method: clinical testing. Allele origin: germline.
Comment: This sequence change replaces methionine, which is neutral and non-polar, with valine, which is neutral and non-polar, at codon 3156 of the VPS13B protein (p.Met3156Val). This variant is present in population databases (no rsID available, gnomAD 0.007%). This variant has not been reported in the literature in individuals affected with VPS13B-related conditions. ClinVar contains an entry for this variant (Variation ID: 1418156). Advanced modeling of protein sequence and biophysical properties (such as structural, functional, and spatial information, amino acid conservation, physicochemical variation, residue mobility, and thermodynamic stability) performed at Invitae indicates that this missense variant is not expected to disrupt VPS13B protein function with a negative predictive value of 80%. In summary, the available evidence is currently insufficient to determine the role of this variant in disease. Therefore, it has been classified as a Variant of Uncertain Significance.